The following is an entry in ClinVar:

NM_001369.3(DNAH5):c.7536dup (p.Thr2513fs)

Gene: DNAH5 (dynein axonemal heavy chain 5; minus strand). Cytogenetic location: 5p15.2.
Variant type: Duplication.
Coding change: c.7536dup on transcript NM_001369.3 (MANE Select); coding-DNA position 7536, one base duplicated (C; older notation c.7536dupC).
Protein change: p.Thr2513fs; shifts the reading frame from threonine 2513.
Molecular consequence: frameshift variant.
Genome position (GRCh38, 1-based): chr5:13,810,132, G duplicated on the plus strand (C on the coding strand, the reverse complement: DNAH5 is on the minus strand); the first of 3 consecutive G bases (chr5:13,810,132-13,810,134); duplicating any one gives the same sequence. VCF-style (leftmost placement, unchanged base first): chr5-13810131-T-TG. GRCh37 (hg19) VCF-style: chr5-13810240-T-TG.
Other names: short protein forms T2513fs.
Identifiers: ClinVar variation 2764340 (VCV002764340.3), dbSNP rs1580362269, ClinGen allele CA917418229.

ClinVar aggregate classification (germline): Pathogenic (1 of 4 stars; one submission).

Conditions:
Primary ciliary dyskinesia. Also called: Ciliary dyskinesia. Identifiers: Orphanet 244, MedGen C0008780, MONDO:0016575, HP:0012265.

Submission:

Labcorp Genetics (formerly Invitae), Labcorp
Classification: Pathogenic for Primary ciliary dyskinesia. Last evaluated: 2023-09-29. Review status: criteria provided, single submitter. Criteria: Invitae Variant Classification Sherloc (09022015). Collection method: clinical testing. Allele origin: germline.
Comment: This sequence change creates a premature translational stop signal (p.Thr2513Hisfs*42) in the DNAH5 gene. It is expected to result in an absent or disrupted protein product. Loss-of-function variants in DNAH5 are known to be pathogenic (PMID: 11788826, 16627867). This variant is not present in population databases (gnomAD no frequency). This variant has not been reported in the literature in individuals affected with DNAH5-related conditions. For these reasons, this variant has been classified as Pathogenic.

Literature cited by the submitters: PubMed 11788826; PubMed 16627867.